The following is an entry in ClinVar:

NM_007294.4(BRCA1):c.2135_2136del (p.Cys712fs)

Gene: BRCA1 (BRCA1 DNA repair associated; minus strand). Cytogenetic location: 17q21.31.
Variant type: Microsatellite.
Coding change: c.2135_2136del on transcript NM_007294.4 (MANE Select); coding-DNA positions 2135 to 2136, 2 bases deleted (GT; older notation c.2135_2136delGT).
Protein change: p.Cys712fs; shifts the reading frame from cysteine 712.
Molecular consequence: frameshift variant. On other transcripts: intron variant (137).
Genome position (GRCh38, 1-based): chr17:43,093,395-43,093,396, AC deleted on the plus strand (GT on the coding strand, the reverse complement: BRCA1 is on the minus strand); deleting any 2 consecutive bases within chr17:43,093,395-43,093,398 gives the same sequence; the c. name uses the placement nearest the transcript's 3' end. VCF-style (leftmost placement, unchanged base first): chr17-43093394-AAC-A. GRCh37 (hg19) VCF-style: chr17-41245411-AAC-A.
Other names: 2254delGT - ter716; c.2135_2136delGT (NM_007294.3); c.1922_1923del, p.Cys641fs (NM_001407571.1, NM_001407853.1, NM_001407894.1 and 9 more transcripts); c.2135_2136del, p.Cys712fs (NM_001407581.1, NM_001407582.1, NM_001407583.1 and 30 more transcripts); c.2132_2133del, p.Cys711fs (NM_001407587.1, NM_001407590.1, NM_001407591.1 and 22 more transcripts); c.2057_2058del, p.Cys686fs (NM_001407657.1, NM_001407658.1, NM_001407663.1 and 4 more transcripts); c.2054_2055del, p.Cys685fs (NM_001407659.1, NM_001407660.1, NM_001407661.1 and 1 more transcripts); c.2012_2013del, p.Cys671fs (NM_001407664.1, NM_001407675.1, NM_001407676.1 and 19 more transcripts); and 43 more; short protein forms C712fs, C665fs, C623fs, C664fs, C670fs, C709fs, C601fs, C624fs.
Identifiers: ClinVar variation 266223 (VCV000266223.7), dbSNP rs886040001, ClinGen allele CA10589888.

ClinVar aggregate classification (germline): Pathogenic. Review status: reviewed by expert panel (3 of 4 stars). 4 submissions from 4 submitters: Pathogenic (1). 3 of the submissions do not count toward it. Last evaluated 2016-10-18.

Conditions:
Hereditary breast ovarian cancer syndrome. Also called: Hereditary breast and ovarian cancer syndrome (HBOC); Breast and ovarian cancer; Hereditary breast and ovarian cancer syndrome; Hereditary breast and ovarian cancer; BRCA1- and BRCA2-Associated Hereditary Breast and Ovarian Cancer; Hereditary breast and/or ovarian cancer syndrome. Identifiers: Orphanet 145, MedGen C0677776, MeSH D061325, MONDO:0003582. Disease mechanism: loss of function.
Breast-ovarian cancer, familial, susceptibility to, 1 (BROVCA1). Also called: BRCA1 Hereditary Breast and Ovarian Cancer; OVARIAN CANCER, SUSCEPTIBILITY TO. Identifiers: Orphanet 145, MedGen C2676676, MONDO:0011450, OMIM 604370. Disease mechanism: loss of function.

Submissions (4):

Evidence-based Network for the Interpretation of Germline Mutant Alleles (ENIGMA)
Classification: Pathogenic for Breast-ovarian cancer, familial, susceptibility to, 1. Last evaluated: 2016-10-18. Review status: reviewed by expert panel. Criteria: ENIGMA BRCA1/2 Classification Criteria (2015). Collection method: curation. Allele origin: germline.
Comment: Variant allele predicted to encode a truncated non-functional protein.

Labcorp Genetics (formerly Invitae), Labcorp
Classification: Pathogenic for Hereditary breast ovarian cancer syndrome. Last evaluated: 2025-11-18. Review status: criteria provided, single submitter. Criteria: Invitae Variant Classification Sherloc (09022015). Collection method: clinical testing. Allele origin: germline. Not counted in ClinVar's aggregate classification.
Comment: This sequence change creates a premature translational stop signal (p.Cys712Phefs*5) in the BRCA1 gene. It is expected to result in an absent or disrupted protein product. Loss-of-function variants in BRCA1 are known to be pathogenic (PMID: 20104584). This variant is not present in population databases (gnomAD no frequency). This variant has not been reported in the literature in individuals affected with BRCA1-related conditions. For these reasons, this variant has been classified as Pathogenic.

Consortium of Investigators of Modifiers of BRCA1/2 (CIMBA), c/o University of Cambridge
Classification: Pathogenic for Breast-ovarian cancer, familial, susceptibility to, 1. Last evaluated: 2015-10-02. Review status: criteria provided, single submitter. Criteria: CIMBA Mutation Classification guidelines May 2016. Collection method: clinical testing. Allele origin: germline. Not counted in ClinVar's aggregate classification.

Research Molecular Genetics Laboratory, Women's College Hospital, University of Toronto
Classification: Pathogenic for Hereditary breast ovarian cancer syndrome. Last evaluated: 2014-01-31. Review status: no assertion criteria provided. Collection method: research. Allele origin: germline. Affected: yes. Study: The Canadian Open Genetics Repository (COGR). Not counted in ClinVar's aggregate classification.

Literature cited by the submitters: PubMed 20104584 (cited by Labcorp Genetics (formerly Invitae), Labcorp).